The following is an entry in ClinVar:

ClinVar aggregate classification (germline): Uncertain significance (1 of 4 stars; one submission).

Submission:

Labcorp Genetics (formerly Invitae), Labcorp
Classification: Uncertain significance. Last evaluated: 2025-12-16. Review status: criteria provided, single submitter. Criteria: Invitae Variant Classification Sherloc (09022015). Collection method: clinical testing. Allele origin: germline.
Comment: This sequence change replaces cysteine, which is neutral and slightly polar, with tyrosine, which is neutral and polar, at codon 268 of the EPHB4 protein (p.Cys268Tyr). This variant is not present in population databases (gnomAD no frequency). This variant has not been reported in the literature in individuals affected with EPHB4-related conditions. Invitae Evidence Modeling of protein sequence and biophysical properties (such as structural, functional, and spatial information, amino acid conservation, physicochemical variation, residue mobility, and thermodynamic stability) indicates that this missense variant is expected to disrupt EPHB4 protein function with a positive predictive value of 95%. In summary, the available evidence is currently insufficient to determine the role of this variant in disease. Therefore, it has been classified as a Variant of Uncertain Significance.

NM_004444.5(EPHB4):c.803G>A (p.Cys268Tyr)

Gene: EPHB4 (EPH receptor B4; minus strand). Cytogenetic location: 7q22.1.
Variant type: single nucleotide variant.
Coding change: c.803G>A on transcript NM_004444.5 (MANE Select); coding-DNA position 803, G replaced by A.
Protein change: p.Cys268Tyr; replaces cysteine 268 with tyrosine.
Molecular consequence: missense variant.
Genome position (GRCh38, 1-based): chr7:100,822,276, C>T on the plus strand (G>A on the coding strand, the complement: EPHB4 is on the minus strand). VCF-style: chr7-100822276-C-T. GRCh37 (hg19) VCF-style: chr7-100419898-C-T.
Other names: short protein forms C268Y.
Identifiers: ClinVar variation 4747443 (VCV004747443.1).